The following is an entry in ClinVar:

NM_001037333.3(CYFIP2):c.1214C>A (p.Ala405Asp)

Gene: CYFIP2 (cytoplasmic FMR1 interacting protein 2; plus strand). Cytogenetic location: 5q33.3.
Variant type: single nucleotide variant.
Coding change: c.1214C>A on transcript NM_001037333.3 (MANE Select); coding-DNA position 1214, C replaced by A.
Protein change: p.Ala405Asp; replaces alanine 405 with aspartic acid.
Molecular consequence: missense variant.
Genome position (GRCh38, 1-based): chr5:157,314,447, C>A. VCF-style: chr5-157314447-C-A. GRCh37 (hg19) VCF-style: chr5-156741455-C-A.
Other names: c.1136C>A, p.Ala379Asp (NM_001291721.2); c.1214C>A, p.Ala405Asp (NM_001291722.2, NM_014376.4); short protein forms A379D, A405D.
Identifiers: ClinVar variation 2015488 (VCV002015488.4), dbSNP rs2532369049, ClinGen allele CA361968413.

ClinVar aggregate classification (germline): Uncertain significance (1 of 4 stars; one submission).

Submission:

Labcorp Genetics (formerly Invitae), Labcorp
Classification: Uncertain significance. Last evaluated: 2023-07-10. Review status: criteria provided, single submitter. Criteria: Invitae Variant Classification Sherloc (09022015). Collection method: clinical testing. Allele origin: germline.
Comment: This variant is not present in population databases (gnomAD no frequency). This sequence change replaces alanine, which is neutral and non-polar, with aspartic acid, which is acidic and polar, at codon 405 of the CYFIP2 protein (p.Ala405Asp). In summary, the available evidence is currently insufficient to determine the role of this variant in disease. Therefore, it has been classified as a Variant of Uncertain Significance. Experimental studies and prediction algorithms are not available or were not evaluated, and the functional significance of this variant is currently unknown. ClinVar contains an entry for this variant (Variation ID: 2015488). This variant has not been reported in the literature in individuals affected with CYFIP2-related conditions.